The following is an entry in ClinVar:

NM_001349253.2(SCN11A):c.2318T>C (p.Met773Thr)

Gene: SCN11A (sodium voltage-gated channel alpha subunit 11; minus strand). Cytogenetic location: 3p22.2.
Variant type: single nucleotide variant.
Coding change: c.2318T>C on transcript NM_001349253.2 (MANE Select); coding-DNA position 2318, T replaced by C.
Protein change: p.Met773Thr; replaces methionine 773 with threonine.
Molecular consequence: missense variant.
Genome position (GRCh38, 1-based): chr3:38,896,930, A>G on the plus strand (T>C on the coding strand, the complement: SCN11A is on the minus strand). VCF-style: chr3-38896930-A-G. GRCh37 (hg19) VCF-style: chr3-38938421-A-G.
Other names: c.2318T>C, p.Met773Thr (NM_014139.3); short protein forms M773T.
Identifiers: ClinVar variation 474705 (VCV000474705.5), dbSNP rs1198350999, ClinGen allele CA352157616.

ClinVar aggregate classification (germline): Uncertain significance (1 of 4 stars; one submission).

Conditions:
Hereditary sensory and autonomic neuropathy type 7. Also called: Neuropathy, hereditary sensory and autonomic, type VII; HSAN VII. Identifiers: Orphanet 391397, MedGen C3809882, MONDO:0014244, OMIM 615548.
Familial episodic pain syndrome with predominantly lower limb involvement. Also called: Episodic pain syndrome, familial, 3. Identifiers: Orphanet 391384, Orphanet 391392, MedGen C3809899, MONDO:0014247, OMIM 615552.

Submission:

Labcorp Genetics (formerly Invitae), Labcorp
Classification: Uncertain significance for Familial episodic pain syndrome with predominantly lower limb involvement; Hereditary sensory and autonomic neuropathy type 7. Last evaluated: 2017-07-16. Review status: criteria provided, single submitter. Criteria: Invitae Variant Classification Sherloc (09022015). Collection method: clinical testing. Allele origin: germline.
Comment: In summary, the available evidence is currently insufficient to determine the role of this variant in disease. Therefore, it has been classified as a Variant of Uncertain Significance. Algorithms developed to predict the effect of missense changes on protein structure and function (SIFT, PolyPhen-2, Align-GVGD) all suggest that this variant is likely to be disruptive, but these predictions have not been confirmed by published functional studies and their clinical significance is uncertain. This variant has not been reported in the literature in individuals with SCN11A-related disease. This variant is not present in population databases (ExAC no frequency). This sequence change replaces methionine with threonine at codon 773 of the SCN11A protein (p.Met773Thr). The methionine residue is highly conserved and there is a moderate physicochemical difference between methionine and threonine.